The following is an entry in ClinVar:

ClinVar aggregate classification (germline): Likely benign (0 of 4 stars; one submission).

Conditions:
UCP3-related disorder. Also called: UCP3-related condition.

Allele frequency attached by ClinVar (database versions not stated): gnomAD exomes 0.00002; ExAC 0.00003; gnomAD 0.00004; TOPMed 0.00005; ESP Exome Variant Server 0.00008; 1000 Genomes Project 30x 0.00016; 1000 Genomes Project 0.00020.

Submission:

PreventionGenetics, part of Exact Sciences
Classification: Likely benign for UCP3-related condition. Last evaluated: 2021-10-08. Review status: no assertion criteria provided. Collection method: clinical testing. Allele origin: germline.
Comment: This variant is classified as likely benign based on ACMG/AMP sequence variant interpretation guidelines (Richards et al. 2015 PMID: 25741868, with internal and published modifications).

NM_003356.4(UCP3):c.480C>T (p.Ser160=)

Gene: UCP3 (uncoupling protein 3; minus strand). Cytogenetic location: 11q13.4.
Variant type: single nucleotide variant.
Coding change: c.480C>T on transcript NM_003356.4 (MANE Select); coding-DNA position 480, C replaced by T.
Protein change: p.Ser160=; no amino-acid change (serine 160 retained).
Molecular consequence: synonymous variant.
Genome position (GRCh38, 1-based): chr11:74,005,791, G>A on the plus strand (C>T on the coding strand, the complement: UCP3 is on the minus strand). VCF-style: chr11-74005791-G-A. GRCh37 (hg19) VCF-style: chr11-73716836-G-A.
Other names: c.480C>T, p.Ser160= (NM_022803.3).
Identifiers: ClinVar variation 3031998 (VCV003031998.2), dbSNP rs371369161, ClinGen allele CA6181476.